The following is an entry in ClinVar:

NM_001190274.2(FBXO11):c.1754G>A (p.Arg585Gln)

Gene: FBXO11 (F-box protein 11; minus strand). Cytogenetic location: 2p16.3.
Variant type: single nucleotide variant.
Coding change: c.1754G>A on transcript NM_001190274.2 (MANE Select); coding-DNA position 1754, G replaced by A.
Protein change: p.Arg585Gln; replaces arginine 585 with glutamine.
Molecular consequence: missense variant.
Genome position (GRCh38, 1-based): chr2:47,820,405, C>T on the plus strand (G>A on the coding strand, the complement: FBXO11 is on the minus strand). VCF-style: chr2-47820405-C-T. GRCh37 (hg19) VCF-style: chr2-48047544-C-T.
Other names: c.1502G>A, p.Arg501Gln (NM_001374325.1, NM_025133.4); short protein forms R501Q, R585Q.
Identifiers: ClinVar variation 5020719 (VCV005020719.1).

ClinVar aggregate classification (germline): Uncertain significance (1 of 4 stars; one submission).

Submission:

Dasa
Classification: Uncertain significance. Last evaluated: 2026-01-29. Review status: criteria provided, single submitter. Criteria: DASA Assertion Criteria. Collection method: clinical testing. Allele origin: germline.
Comment: NM_001190274.2(FBXO11):c.1754G>A (p.Arg585Gln) is a missense variant that results in the substitution of arginine with glutamine. This variant is rare in population databases. Computational prediction algorithms are consistent with a deleterious effect. The currently available literature and clinical evidence are not sufficient to establish a definitive association between this variant and the reported condition. Therefore, this variant is classified as a variant of uncertain significance.